The following is an entry in ClinVar:

NM_006158.5(NEFL):c.1457C>A (p.Ala486Asp)

Gene: NEFL (neurofilament light chain; minus strand). Cytogenetic location: 8p21.2.
Variant type: single nucleotide variant.
Coding change: c.1457C>A on transcript NM_006158.5 (MANE Select); coding-DNA position 1457, C replaced by A.
Protein change: p.Ala486Asp; replaces alanine 486 with aspartic acid.
Molecular consequence: missense variant.
Genome position (GRCh38, 1-based): chr8:24,953,508, G>T on the plus strand (C>A on the coding strand, the complement: NEFL is on the minus strand). VCF-style: chr8-24953508-G-T. GRCh37 (hg19) VCF-style: chr8-24811021-G-T.
Other names: short protein forms A486D.
Identifiers: ClinVar variation 1390326 (VCV001390326.6), dbSNP rs968491415, ClinGen allele CA174058382.

ClinVar aggregate classification (germline): Uncertain significance (1 of 4 stars; one submission).

Conditions:
Charcot-Marie-Tooth disease type 2E (CMT2E). Also called: CHARCOT-MARIE-TOOTH DISEASE, AXONAL, TYPE 2E; CHARCOT-MARIE-TOOTH NEUROPATHY, TYPE 2E. Identifiers: Orphanet 99939, MedGen C1843225, MONDO:0011894, OMIM 607684.

Allele frequency attached by ClinVar (database versions not stated): TOPMed 0.00001.

Submission:

Labcorp Genetics (formerly Invitae), Labcorp
Classification: Uncertain significance for Charcot-Marie-Tooth disease type 2E. Last evaluated: 2022-07-06. Review status: criteria provided, single submitter. Criteria: Invitae Variant Classification Sherloc (09022015). Collection method: clinical testing. Allele origin: germline.
Comment: This sequence change replaces alanine, which is neutral and non-polar, with aspartic acid, which is acidic and polar, at codon 486 of the NEFL protein (p.Ala486Asp). This variant is not present in population databases (gnomAD no frequency). This variant has not been reported in the literature in individuals affected with NEFL-related conditions. ClinVar contains an entry for this variant (Variation ID: 1390326). Experimental studies and prediction algorithms are not available or were not evaluated, and the functional significance of this variant is currently unknown. In summary, the available evidence is currently insufficient to determine the role of this variant in disease. Therefore, it has been classified as a Variant of Uncertain Significance.